The following is an entry in ClinVar:

ClinVar aggregate classification (germline): Uncertain significance (1 of 4 stars; one submission).

Submission:

Labcorp Genetics (formerly Invitae), Labcorp
Classification: Uncertain significance. Last evaluated: 2023-04-09. Review status: criteria provided, single submitter. Criteria: Invitae Variant Classification Sherloc (09022015). Collection method: clinical testing. Allele origin: germline.
Comment: Experimental studies and prediction algorithms are not available or were not evaluated, and the functional significance of this variant is currently unknown. Variants that disrupt the consensus splice site are a relatively common cause of aberrant splicing (PMID: 17576681, 9536098). Algorithms developed to predict the effect of sequence changes on RNA splicing suggest that this variant may disrupt the consensus splice site. In summary, the available evidence is currently insufficient to determine the role of this variant in disease. Therefore, it has been classified as a Variant of Uncertain Significance. This variant has not been reported in the literature in individuals affected with COL4A4-related conditions. This sequence change replaces glycine, which is neutral and non-polar, with cysteine, which is neutral and slightly polar, at codon 1133 of the COL4A4 protein (p.Gly1133Cys). This variant also falls at the last nucleotide of exon 36, which is part of the consensus splice site for this exon. This variant is not present in population databases (gnomAD no frequency).

Literature cited by the submitters: PubMed 17576681; PubMed 9536098.

NM_000092.5(COL4A4):c.3397G>T (p.Gly1133Cys)

Gene: COL4A4 (collagen type IV alpha 4 chain; minus strand). Cytogenetic location: 2q36.3.
Variant type: single nucleotide variant.
Coding change: c.3397G>T on transcript NM_000092.5 (MANE Select); coding-DNA position 3397, G replaced by T.
Protein change: p.Gly1133Cys; replaces glycine 1133 with cysteine.
Molecular consequence: missense variant.
Genome position (GRCh38, 1-based): chr2:227,043,077, C>A on the plus strand (G>T on the coding strand, the complement: COL4A4 is on the minus strand). VCF-style: chr2-227043077-C-A. GRCh37 (hg19) VCF-style: chr2-227907793-C-A.
Other names: short protein forms G1133C.
Identifiers: ClinVar variation 2854437 (VCV002854437.3), dbSNP rs2473714255, ClinGen allele CA350838388.